The following is an entry in ClinVar:

ClinVar aggregate classification (germline): Benign/Likely benign. Review status: criteria provided, multiple submitters, no conflicts (2 of 4 stars). 8 submissions from 8 submitters: Benign (3); Likely benign (3). 2 of the submissions do not count toward it. Last evaluated 2026-09-01.

Conditions:
Charcot-Marie-Tooth disease type 4B3. Also called: Charcot-Marie-Tooth Neuropathy Type 4B3; CHARCOT-MARIE-TOOTH DISEASE, DEMYELINATING, TYPE 4B3. Identifiers: Orphanet 363981, MedGen C3695063, MONDO:0014117, OMIM 615284.

Allele frequency attached by ClinVar (database versions not stated): 1000 Genomes Project 30x 0.00141; 1000 Genomes Project 0.00160; TOPMed 0.00180; gnomAD 0.00204 and 0.00205; gnomAD exomes 0.00257 and 0.00356; ESP Exome Variant Server 0.00279; ExAC 0.00310.
gnomAD v4.1: 5,473 of 1,613,808 alleles (0.34%); highest among the groups gnomAD compares: Non-Finnish European, 0.42%; 21 homozygotes.

Submissions (8):

CeGaT Center for Human Genetics Tuebingen
Classification: Likely benign. Last evaluated: 2026-09-01. Review status: criteria provided, single submitter. Criteria: CeGaT Center For Human Genetics Tuebingen Variant Classification Criteria Version 2. Collection method: clinical testing. Allele origin: germline. Affected: yes. Observed: 11 variant alleles.
Comment: SBF1: BP4, BP7, BS2

Labcorp Genetics (formerly Invitae), Labcorp
Classification: Benign. Last evaluated: 2026-02-02. Review status: criteria provided, single submitter. Criteria: Invitae Variant Classification Sherloc (09022015). Collection method: clinical testing. Allele origin: germline.

ARUP Laboratories, Molecular Genetics and Genomics, ARUP Laboratories
Classification: Benign for Charcot-Marie-Tooth disease type 4B3. Last evaluated: 2025-07-09. Review status: criteria provided, single submitter. Criteria: ARUP Molecular Germline Variant Investigation Process 2024. Collection method: clinical testing. Allele origin: germline.

Mayo Clinic Laboratories, Mayo Clinic
Classification: Benign. Last evaluated: 2023-06-09. Review status: criteria provided, single submitter. Criteria: ACMG Guidelines, 2015. Collection method: clinical testing. Allele origin: germline. Observed: 14 variant alleles.

GeneDx
Classification: Likely benign. Last evaluated: 2020-12-21. Review status: criteria provided, single submitter. Criteria: GeneDx Variant Classification Process June 2021. Collection method: clinical testing. Allele origin: germline. Affected: yes.

Breakthrough Genomics
Classification: Likely benign. Review status: criteria provided, single submitter. Criteria: ACMG Guidelines, 2015. Collection method: not provided. Allele origin: germline. Inheritance: Autosomal recessive inheritance. Affected: yes.

Clinical Genetics, Academic Medical Center
Classification: Benign. Review status: no assertion criteria provided. Collection method: clinical testing. Allele origin: germline. Affected: yes. Study: VKGL Data-share Consensus. Not counted in ClinVar's aggregate classification.

Genome Diagnostics Laboratory, University Medical Center Utrecht
Classification: Likely benign. Review status: no assertion criteria provided. Collection method: clinical testing. Allele origin: germline. Affected: yes. Study: VKGL Data-share Consensus. Not counted in ClinVar's aggregate classification.

NM_002972.4(SBF1):c.5625C>T (p.Asp1875=)

Gene: SBF1 (SET binding factor 1; minus strand). Cytogenetic location: 22q13.33.
Variant type: single nucleotide variant.
Coding change: c.5625C>T on transcript NM_002972.4 (MANE Select); coding-DNA position 5625, C replaced by T.
Protein change: p.Asp1875=; no amino-acid change (aspartic acid 1875 retained).
Molecular consequence: synonymous variant.
Genome position (GRCh38, 1-based): chr22:50,447,199, G>A on the plus strand (C>T on the coding strand, the complement: SBF1 is on the minus strand). VCF-style: chr22-50447199-G-A. GRCh37 (hg19) VCF-style: chr22-50885628-G-A.
Other names: p.Asp1875=; c.5550C>T, p.Asp1850= (NM_001365819.1).
Identifiers: ClinVar variation 718820 (VCV000718820.56), dbSNP rs146489206, ClinGen allele CA10315742.
Genomic context (GRCh38, chr22:50,447,199, plus strand): 5'-GGCTCAGGCGTCCGACAGGCAGCTCTGGATCCGGTCCACCCACTGCTGGGCCGAGGGCAC[G>A]TCCTGGGCACAGAAGTTGTAAACGCGACGCGTTGTCTTCACCTGGGGAAGGGCGGGTTAC-3'
Protein context (NP_002963.2, residues 1865-1885): TRRVYNFCAQ[Asp1875=]VPSAQQWVDR